The following is an entry in ClinVar:

NM_000077.4(CDKN2A):c.-306-?_*477+?dup

Gene: CDKN2A (cyclin dependent kinase inhibitor 2A; minus strand).
Variant type: Duplication.
Coding change: c.-306-?_*477+?dup on transcript NM_000077.4.
Other names: c.-306-?_*477+?dup (LRG_11t1).
Identifiers: ClinVar variation 236979 (VCV000236979.1).

ClinVar aggregate classification (germline): Uncertain significance (1 of 4 stars; one submission).

Conditions:
Familial melanoma. Also called: Hereditary melanoma; Hereditary cutaneous melanoma. Identifiers: Orphanet 618, MedGen C1512419, MONDO:0018961.

Submission:

Labcorp Genetics (formerly Invitae), Labcorp
Classification: Uncertain significance for Familial melanoma. Last evaluated: 2016-02-01. Review status: criteria provided, single submitter. Criteria: Invitae Variant Classification Sherloc (09022015). Collection method: clinical testing. Allele origin: germline.
Comment: A gross gain of the genomic region encompassing the full coding sequence of the CDKN2A gene has been identified. The boundaries of this event are unknown as it extends beyond the assayed region for this gene and therefore may encompass additional genes. As the precise location of this event is unknown, it may be in tandem or it may be located elsewhere in the genome. This variant has not been reported in the literature in individuals with a CDKN2A-related disease. The exact position of the gained gene copies cannot be determined from this data, and the effect of this copy number variant is unknown. It has been classified as a Variant of Uncertain Significance.